The following is an entry in ClinVar:

NM_005202.4(COL8A2):c.679C>T (p.Pro227Ser)

Gene: COL8A2 (collagen type VIII alpha 2 chain; minus strand). Cytogenetic location: 1p34.3.
Variant type: single nucleotide variant.
Coding change: c.679C>T on transcript NM_005202.4 (MANE Select); coding-DNA position 679, C replaced by T.
Protein change: p.Pro227Ser; replaces proline 227 with serine.
Molecular consequence: missense variant.
Genome position (GRCh38, 1-based): chr1:36,099,002, G>A on the plus strand (C>T on the coding strand, the complement: COL8A2 is on the minus strand). VCF-style: chr1-36099002-G-A. GRCh37 (hg19) VCF-style: chr1-36564603-G-A.
Other names: c.484C>T, p.Pro162Ser (NM_001294347.2); c.679C>T (NM_005202.2); short protein forms P162S, P227S.
Identifiers: ClinVar variation 1705134 (VCV001705134.2), dbSNP rs773972659, ClinGen allele CA765073.

ClinVar aggregate classification (germline): Uncertain significance. Review status: criteria provided, multiple submitters, no conflicts (2 of 4 stars). 2 submissions from 2 submitters: Uncertain significance (2). Last evaluated 2025-08-11.

Conditions:
Inborn genetic diseases. Identifiers: MedGen C0950123, MeSH D030342.

Allele frequency attached by ClinVar (database versions not stated): ExAC 0.00001; TOPMed 0.00003.

Submissions (2):

Ambry Genetics
Classification: Uncertain significance for Inborn genetic diseases. Last evaluated: 2025-08-11. Review status: criteria provided, single submitter. Criteria: Ambry Variant Classification Scheme 2023. Collection method: clinical testing. Allele origin: germline.

Women's Health and Genetics/Laboratory Corporation of America, LabCorp
Classification: Uncertain significance. Last evaluated: 2022-08-18. Review status: criteria provided, single submitter. Criteria: LabCorp Variant Classification Summary - May 2015. Collection method: clinical testing. Allele origin: germline.
Comment: Variant summary: COL8A2 c.679C>T (p.Pro227Ser) results in a non-conservative amino acid change in the encoded protein sequence. Three of five in-silico tools predict a damaging effect of the variant on protein function. The variant allele was found at a frequency of 5.3e-05 in 150060 control chromosomes, predominantly at a frequency of 0.00017 (i.e. 7/41268 alleles) within the African or African-American subpopulation in the gnomAD database (v3.1 genomes dataset). To our knowledge, no occurrence of c.679C>T in individuals affected with Corneal Dystrophy, Fuchs Endothelial, 1 and no experimental evidence demonstrating its impact on protein function have been reported. No clinical diagnostic laboratories have submitted clinical-significance assessments for this variant to ClinVar after 2014. Based on the evidence outlined above, the variant was classified as VUS-possibly benign.